The following is an entry in ClinVar:

NM_002772.3(TMPRSS15):c.2291G>A (p.Arg764Gln)

Gene: TMPRSS15 (transmembrane serine protease 15; minus strand). Cytogenetic location: 21q21.1.
Variant type: single nucleotide variant.
Coding change: c.2291G>A on transcript NM_002772.3 (MANE Select); coding-DNA position 2291, G replaced by A.
Protein change: p.Arg764Gln; replaces arginine 764 with glutamine.
Molecular consequence: missense variant.
Genome position (GRCh38, 1-based): chr21:18,294,623, C>T on the plus strand (G>A on the coding strand, the complement: TMPRSS15 is on the minus strand). VCF-style: chr21-18294623-C-T. GRCh37 (hg19) VCF-style: chr21-19666940-C-T.
Other names: c.2291G>A (NM_002772.2); short protein forms R764Q.
Identifiers: ClinVar variation 2168038 (VCV002168038.2), dbSNP rs374128782, ClinGen allele CA9984121.

ClinVar aggregate classification (germline): Uncertain significance. Review status: criteria provided, multiple submitters, no conflicts (2 of 4 stars). 2 submissions from 2 submitters: Uncertain significance (2). Last evaluated 2022-07-19.

Allele frequency attached by ClinVar (database versions not stated): gnomAD 0.00001; ESP Exome Variant Server 0.00008.
gnomAD v4.1: 30 of 1,610,914 alleles (0.0019%); highest among the groups gnomAD compares: Admixed American, 0.032%; no homozygotes.

Submissions (2):

Labcorp Genetics (formerly Invitae), Labcorp
Classification: Uncertain significance. Last evaluated: 2022-07-19. Review status: criteria provided, single submitter. Criteria: Invitae Variant Classification Sherloc (09022015). Collection method: clinical testing. Allele origin: germline.
Comment: This sequence change replaces arginine, which is basic and polar, with glutamine, which is neutral and polar, at codon 764 of the TMPRSS15 protein (p.Arg764Gln). This variant is present in population databases (rs374128782, gnomAD 0.05%). This variant has not been reported in the literature in individuals affected with TMPRSS15-related conditions. Algorithms developed to predict the effect of missense changes on protein structure and function output the following: SIFT: "Not Available"; PolyPhen-2: "Benign"; Align-GVGD: "Not Available". The glutamine amino acid residue is found in multiple mammalian species, which suggests that this missense change does not adversely affect protein function. In summary, the available evidence is currently insufficient to determine the role of this variant in disease. Therefore, it has been classified as a Variant of Uncertain Significance.

Ambry Genetics
Classification: Uncertain significance. Last evaluated: 2021-10-26. Review status: criteria provided, single submitter. Criteria: Ambry Variant Classification Scheme 2023. Collection method: clinical testing. Allele origin: germline.